The following is an entry in ClinVar:

NM_007294.4(BRCA1):c.2113G>A (p.Ala705Thr)

Gene: BRCA1 (BRCA1 DNA repair associated; minus strand). Cytogenetic location: 17q21.31.
Variant type: single nucleotide variant.
Coding change: c.2113G>A on transcript NM_007294.4 (MANE Select); coding-DNA position 2113, G replaced by A.
Protein change: p.Ala705Thr; replaces alanine 705 with threonine.
Molecular consequence: missense variant. On other transcripts: intron variant (137).
Genome position (GRCh38, 1-based): chr17:43,093,418, C>T on the plus strand (G>A on the coding strand, the complement: BRCA1 is on the minus strand). VCF-style: chr17-43093418-C-T. GRCh37 (hg19) VCF-style: chr17-41245435-C-T.
Other names: c.1969G>A, p.Ala657Thr (NM_001407844.1, NM_001407845.1, NM_001407847.1 and 20 more transcripts); c.1972G>A, p.Ala658Thr (NM_001407850.1, NM_001407942.1, NM_001407944.1 and 29 more transcripts); c.1849G>A, p.Ala617Thr (NM_001407926.1, NM_001407927.1, NM_001407928.1 and 9 more transcripts); c.1846G>A, p.Ala616Thr (NM_001407930.1, NM_001407931.1, NM_001407932.1 and 2 more transcripts); c.1990G>A, p.Ala664Thr (NM_001407937.1, NM_001407938.1, NM_001407939.1 and 19 more transcripts); c.1987G>A, p.Ala663Thr (NM_001407940.1, NM_001407941.1, NM_001407649.1 and 11 more transcripts); c.1780G>A, p.Ala594Thr (NM_001407946.1, NM_001407947.1, NM_001407948.1 and 6 more transcripts); c.1777G>A, p.Ala593Thr (NM_001407954.1, NM_001407955.1, NM_001407956.1 and 1 more transcripts); and 41 more; short protein forms A658T, A705T, A634T, A637T, A663T, A704T, A537T, A594T.
Identifiers: ClinVar variation 820748 (VCV000820748.10), dbSNP rs1597872085, ClinGen allele CA10597776.

ClinVar aggregate classification (germline): Conflicting classifications of pathogenicity. Review status: criteria provided, conflicting classifications (1 of 4 stars). 3 submissions from 3 submitters: Uncertain significance (2); Likely benign (1). Last evaluated 2023-03-23.

Conditions:
Hereditary breast ovarian cancer syndrome. Also called: Hereditary breast and/or ovarian cancer syndrome; BRCA1- and BRCA2-Associated Hereditary Breast and Ovarian Cancer; Hereditary breast and ovarian cancer syndrome; Hereditary breast and ovarian cancer; Hereditary breast and ovarian cancer syndrome (HBOC); Breast and ovarian cancer. Identifiers: Orphanet 145, MedGen C0677776, MeSH D061325, MONDO:0003582. Disease mechanism: loss of function.
Hereditary cancer-predisposing syndrome. Also called: Neoplastic Syndromes, Hereditary; Tumor predisposition; Hereditary Cancer Syndrome; Hereditary neoplastic syndrome. Identifiers: Orphanet 140162, MedGen C0027672, MeSH D009386, MONDO:0015356.

Submissions (3):

University of Washington Department of Laboratory Medicine, University of Washington
Classification: Likely benign for Hereditary cancer-predisposing syndrome. Last evaluated: 2023-03-23. Review status: criteria provided, single submitter. Criteria: Dines et al. (Genet Med. 2020). Collection method: curation. Allele origin: germline.
Comment: Missense variant in a coldspot region where missense variants are very unlikely to be pathogenic (PMID:31911673).

BRCA1 coldspot (exon 11 using historical exon numbering). Reclassification based on statistical prior probability

Labcorp Genetics (formerly Invitae), Labcorp
Classification: Uncertain significance for Hereditary breast ovarian cancer syndrome. Last evaluated: 2023-02-03. Review status: criteria provided, single submitter. Criteria: Invitae Variant Classification Sherloc (09022015). Collection method: clinical testing. Allele origin: germline.
Comment: This sequence change replaces alanine, which is neutral and non-polar, with threonine, which is neutral and polar, at codon 705 of the BRCA1 protein (p.Ala705Thr). This variant is not present in population databases (gnomAD no frequency). This variant has not been reported in the literature in individuals affected with BRCA1-related conditions. ClinVar contains an entry for this variant (Variation ID: 820748). Advanced modeling of protein sequence and biophysical properties (such as structural, functional, and spatial information, amino acid conservation, physicochemical variation, residue mobility, and thermodynamic stability) performed at Invitae indicates that this missense variant is not expected to disrupt BRCA1 protein function. In summary, the available evidence is currently insufficient to determine the role of this variant in disease. Therefore, it has been classified as a Variant of Uncertain Significance.

Ambry Genetics
Classification: Uncertain significance for Hereditary cancer-predisposing syndrome. Last evaluated: 2019-02-14. Review status: criteria provided, single submitter. Criteria: Ambry Variant Classification Scheme 2023. Collection method: clinical testing. Allele origin: germline.
Comment: The p.A705T variant (also known as c.2113G>A), located in coding exon 9 of the BRCA1 gene, results from a G to A substitution at nucleotide position 2113. The alanine at codon 705 is replaced by threonine, an amino acid with similar properties. This amino acid position is poorly conserved in available vertebrate species. In addition, this alteration is predicted to be tolerated by in silico analysis. Since supporting evidence is limited at this time, the clinical significance of this alteration remains unclear.